The following is an entry in ClinVar:

NM_152416.4(NDUFAF6):c.297+7A>G

Gene: NDUFAF6 (NADH:ubiquinone oxidoreductase complex assembly factor 6; plus strand). Cytogenetic location: 8q22.1.
Variant type: single nucleotide variant.
Coding change: c.297+7A>G on transcript NM_152416.4 (MANE Select); 7 bases into the intron after coding-DNA position 297, A replaced by G.
Molecular consequence: intron variant.
Genome position (GRCh38, 1-based): chr8:95,032,101, A>G. VCF-style: chr8-95032101-A-G. GRCh37 (hg19) VCF-style: chr8-96044329-A-G.
Other names: c.-37+7A>G (NM_001354534.2); c.21+3A>G (NM_001354514.2, NM_001354515.2, NM_001330582.2 and 1 more transcripts); c.-353+3A>G (NM_001354525.2, NM_001354524.2); c.-284+7A>G (NM_001354522.2, NM_001354529.2); c.141+7A>G (NM_001354516.2); c.-468+3A>G (NM_001354528.2); c.-497+3A>G (NM_001354527.2); c.-152+3A>G (NM_001354518.2); and 6 more.
Identifiers: ClinVar variation 1950409 (VCV001950409.5), dbSNP rs776966483, ClinGen allele CA4814721.
Genomic context (GRCh38, chr8:95,032,101, plus strand): 5'-GAATCCCGAAGCTCTGTTTTTGCACTGAGGGCCTTTAATGTGGAACTGGCTCAGGCTGGT[A>G]TTAAGATACCTTAAAATATTATTTGCGAAATGGTGATATAAGGTGTTTAATGCTGAACAA-3'

ClinVar aggregate classification (germline): Uncertain significance (1 of 4 stars; one submission).

Allele frequency attached by ClinVar (database versions not stated): gnomAD exomes below 0.00001; ExAC 0.00001.
gnomAD v4.1: 1 of 1,609,988 alleles (0.000062%); highest among the groups gnomAD compares: Admixed American, 0.0017%; no homozygotes.

Submission:

Labcorp Genetics (formerly Invitae), Labcorp
Classification: Uncertain significance. Last evaluated: 2022-08-09. Review status: criteria provided, single submitter. Criteria: Invitae Variant Classification Sherloc (09022015). Collection method: clinical testing. Allele origin: germline.
Comment: Algorithms developed to predict the effect of sequence changes on RNA splicing suggest that this variant may disrupt the consensus splice site. In summary, the available evidence is currently insufficient to determine the role of this variant in disease. Therefore, it has been classified as a Variant of Uncertain Significance. This variant has not been reported in the literature in individuals affected with NDUFAF6-related conditions. This variant is not present in population databases (gnomAD no frequency). This sequence change falls in intron 2 of the NDUFAF6 gene. It does not directly change the encoded amino acid sequence of the NDUFAF6 protein.